The following is an entry in ClinVar:

NM_016525.5(UBAP1):c.1252G>A (p.Glu418Lys)

Gene: UBAP1 (ubiquitin associated protein 1; plus strand). Cytogenetic location: 9p13.3.
Variant type: single nucleotide variant.
Coding change: c.1252G>A on transcript NM_016525.5 (MANE Select); coding-DNA position 1252, G replaced by A.
Protein change: p.Glu418Lys; replaces glutamic acid 418 with lysine.
Molecular consequence: missense variant. On other transcripts: non-coding transcript variant (1).
Genome position (GRCh38, 1-based): chr9:34,249,947, G>A. VCF-style: chr9-34249947-G-A. GRCh37 (hg19) VCF-style: chr9-34249945-G-A.
Other names: c.1444G>A, p.Glu482Lys (NM_001171201.1); c.1360G>A, p.Glu454Lys (NM_001171202.1); c.1252G>A, p.Glu418Lys (NM_001171203.3, NM_001171204.3); short protein forms E418K, E454K, E482K.
Identifiers: ClinVar variation 1695246 (VCV001695246.33), dbSNP rs146620671, ClinGen allele CA5031481.

ClinVar aggregate classification (germline): Conflicting classifications of pathogenicity. Review status: criteria provided, conflicting classifications (1 of 4 stars). 3 submissions from 3 submitters: Uncertain significance (2); Likely benign (1). Last evaluated 2024-12-01.

Conditions:
Spastic paraplegia 80, autosomal dominant. Identifiers: Orphanet 631068, MedGen C5193084, MONDO:0032737, OMIM 618418.
Inborn genetic diseases. Identifiers: MedGen C0950123, MeSH D030342.

Allele frequency attached by ClinVar (database versions not stated): ExAC 0.00004; gnomAD exomes 0.00004 and 0.00011; ESP Exome Variant Server 0.00008; TOPMed 0.00008; gnomAD 0.00010.
gnomAD v4.1: 186 of 1,614,018 alleles (0.012%); highest among the groups gnomAD compares: Non-Finnish European, 0.014%; no homozygotes.

Submissions (3):

CeGaT Center for Human Genetics Tuebingen
Classification: Likely benign. Last evaluated: 2024-12-01. Review status: criteria provided, single submitter. Criteria: CeGaT Center For Human Genetics Tuebingen Variant Classification Criteria Version 2. Collection method: clinical testing. Allele origin: germline. Affected: yes. Observed: 1 variant allele.
Comment: UBAP1: BP4

Ambry Genetics
Classification: Uncertain significance for Inborn genetic diseases. Last evaluated: 2024-09-08. Review status: criteria provided, single submitter. Criteria: Ambry Variant Classification Scheme 2023. Collection method: clinical testing. Allele origin: germline.

Department of Pathology and Laboratory Medicine, Sinai Health System
Classification: Uncertain significance for Spastic paraplegia 80, autosomal dominant. Last evaluated: 2023-02-10. Review status: criteria provided, single submitter. Criteria: ACMG Guidelines, 2015. Collection method: research. Allele origin: germline.